The following is an entry in ClinVar:

NM_183075.3(CYP2U1):c.308C>T (p.Pro103Leu)

Genes: CYP2U1 (cytochrome P450 family 2 subfamily U member 1; plus strand), CYP2U1-AS1 (CYP2U1 and SGMS2 antisense RNA 1; minus strand). Cytogenetic location: 4q25.
Variant type: single nucleotide variant.
Coding change: c.308C>T on transcript NM_183075.3 (MANE Select); coding-DNA position 308, C replaced by T.
Protein change: p.Pro103Leu; replaces proline 103 with leucine.
Molecular consequence: missense variant.
Genome position (GRCh38, 1-based): chr4:107,931,951, C>T. VCF-style: chr4-107931951-C-T. GRCh37 (hg19) VCF-style: chr4-108853107-C-T.
Other names: short protein forms P103L.
Identifiers: ClinVar variation 409955 (VCV000409955.19), dbSNP rs147506864, ClinGen allele CA3036967.

ClinVar aggregate classification (germline): Conflicting classifications of pathogenicity. Review status: criteria provided, conflicting classifications (1 of 4 stars). 7 submissions from 7 submitters: Uncertain significance (3); Likely benign (4). Last evaluated 2026-07-01.

Conditions:
Spastic paraplegia. Identifiers: MedGen C0037772, HP:0001258.
CYP2U1-related disorder. Also called: CYP2U1-related condition.
Hereditary spastic paraplegia 56. Also called: Spastic paraplegia 56, autosomal recessive; SPASTIC PARAPLEGIA 56, AUTOSOMAL RECESSIVE, WITH OR WITHOUT PSEUDOXANTHOMA ELASTICUM; Spastic Paraplegia 56. Identifiers: Orphanet 320411, MedGen C3539507, MONDO:0014015, OMIM 615030.
Hereditary spastic paraplegia. Also called: Familial spastic paraparesis. Identifiers: Orphanet 685, MedGen C0037773, MONDO:0019064. Disease mechanism: loss of function.

Allele frequency attached by ClinVar (database versions not stated): 1000 Genomes Project 0.00080; gnomAD 0.00094 and 0.00122; 1000 Genomes Project 30x 0.00109; gnomAD exomes 0.00120; ExAC 0.00126; TOPMed 0.00140; ESP Exome Variant Server 0.00143.
gnomAD v4.1: 1,682 of 1,551,504 alleles (0.11%); highest among the groups gnomAD compares: Admixed American, 0.28%; 4 homozygotes.

Submissions (7):

CeGaT Center for Human Genetics Tuebingen
Classification: Likely benign. Last evaluated: 2026-07-01. Review status: criteria provided, single submitter. Criteria: CeGaT Center For Human Genetics Tuebingen Variant Classification Criteria Version 2. Collection method: clinical testing. Allele origin: germline. Affected: yes. Observed: 1 variant allele.
Comment: CYP2U1: BP4, BS1

PreventionGenetics, part of Exact Sciences
Classification: Likely benign for CYP2U1-related condition. Last evaluated: 2026-02-20. Review status: criteria provided, single submitter. Criteria: ACMG Guidelines, 2015. Collection method: clinical testing. Allele origin: germline.
Comment: This variant is classified as likely benign based on ACMG/AMP sequence variant interpretation guidelines (Richards et al. 2015 PMID: 25741868, with internal and published modifications).

Labcorp Genetics (formerly Invitae), Labcorp
Classification: Likely benign for Spastic paraplegia. Last evaluated: 2026-01-19. Review status: criteria provided, single submitter. Criteria: Invitae Variant Classification Sherloc (09022015). Collection method: clinical testing. Allele origin: germline.

Blueprint Genetics
Classification: Uncertain significance. Last evaluated: 2024-11-19. Review status: criteria provided, single submitter. Criteria: ACMG Guidelines, 2015. Collection method: clinical testing. Allele origin: germline.

GeneDx
Classification: Likely benign. Last evaluated: 2024-04-02. Review status: criteria provided, single submitter. Criteria: GeneDx Variant Classification Process June 2021. Collection method: clinical testing. Allele origin: germline. Affected: yes.
Comment: See Variant Classification Assertion Criteria.

Genome Diagnostics Laboratory, The Hospital for Sick Children
Classification: Uncertain significance for Hereditary spastic paraplegia. Last evaluated: 2019-03-01. Review status: criteria provided, single submitter. Criteria: ACMG Guidelines, 2015. Collection method: clinical testing. Allele origin: germline. Affected: yes.

Baylor Genetics
Classification: Uncertain significance for Hereditary spastic paraplegia 56. Last evaluated: 2018-10-05. Review status: criteria provided, single submitter. Criteria: ACMG Guidelines, 2015. Collection method: clinical testing. Allele origin: unknown. Affected: yes.
Comment: This variant was determined to be of uncertain significance according to ACMG Guidelines, 2015 [PMID:25741868].